The following is an entry in ClinVar:

ClinVar aggregate classification (germline): Uncertain significance (1 of 4 stars; one submission).

Conditions:
Hereditary sensory and autonomic neuropathy type 6. Also called: HSAN VI; Neuropathy, hereditary sensory and autonomic, type VI. Identifiers: Orphanet 314381, MedGen C3539003, MONDO:0013839, OMIM 614653.
Epidermolysis bullosa simplex 3, localized or generalized intermediate, with BP230 deficiency (EBS3). Also called: Epidermolysis bullosa simplex due to BP230 deficiency; Epidermolysis bullosa simplex, autosomal recessive 2. Identifiers: Orphanet 412181, MedGen C3809470, MONDO:0014180, OMIM 615425.

Allele frequency attached by ClinVar (database versions not stated): gnomAD exomes below 0.00001.
gnomAD v4.1: 2 of 1,609,934 alleles (0.00012%); highest among the groups gnomAD compares: Admixed American, 0.0017%; no homozygotes.

Submission:

Labcorp Genetics (formerly Invitae), Labcorp
Classification: Uncertain significance for Epidermolysis bullosa simplex 3, localized or generalized intermediate, with BP230 deficiency; Hereditary sensory and autonomic neuropathy type 6. Last evaluated: 2022-03-12. Review status: criteria provided, single submitter. Criteria: Invitae Variant Classification Sherloc (09022015). Collection method: clinical testing. Allele origin: germline.
Comment: The DST gene has multiple clinically relevant transcripts. This variant occurs in alternate transcript NM_015548.4, and corresponds to NM_001723.5:c.*108959C>A in the primary transcript. In summary, the available evidence is currently insufficient to determine the role of this variant in disease. Therefore, it has been classified as a Variant of Uncertain Significance. Experimental studies and prediction algorithms are not available or were not evaluated, and the effect of this variant on mRNA splicing is currently unknown. This variant has not been reported in the literature in individuals affected with DST-related conditions. This variant is present in population databases (no rsID available, gnomAD 0.007%). This sequence change falls in intron 57 of the DST gene. It does not directly change the encoded amino acid sequence of the DST protein.

NM_001374736.1(DST):c.19363-14C>A

Gene: DST (dystonin; minus strand). Cytogenetic location: 6p12.1.
Variant type: single nucleotide variant.
Coding change: c.19363-14C>A on transcript NM_001374736.1 (MANE Select); 14 bases into the intron before coding-DNA position 19363, C replaced by A.
Molecular consequence: intron variant.
Genome position (GRCh38, 1-based): chr6:56,506,558, G>T on the plus strand (C>A on the coding strand, the complement: DST is on the minus strand). VCF-style: chr6-56506558-G-T. GRCh37 (hg19) VCF-style: chr6-56371356-G-T.
Other names: c.13006-14C>A (NM_001144769.5); c.19363-14C>A (NM_001374722.1); c.19390-14C>A (NM_001374734.1); c.12592-14C>A (NM_001144770.2); c.12145-14C>A (NM_001374730.1); c.12472-14C>A (NM_001386100.1, NM_183380.4); c.18403-14C>A (NM_001374729.1); c.11494-14C>A (NM_015548.5).
Identifiers: ClinVar variation 2154333 (VCV002154333.4), dbSNP rs1464346454, ClinGen allele CA567637653.